The following is an entry in ClinVar:

NM_014339.7(IL17RA):c.1958A>G (p.His653Arg)

Gene: IL17RA (interleukin 17 receptor A; plus strand). Cytogenetic location: 22q11.1.
Variant type: single nucleotide variant.
Coding change: c.1958A>G on transcript NM_014339.7 (MANE Select); coding-DNA position 1958, A replaced by G.
Protein change: p.His653Arg; replaces histidine 653 with arginine.
Molecular consequence: missense variant.
Genome position (GRCh38, 1-based): chr22:17,109,177, A>G. VCF-style: chr22-17109177-A-G. GRCh37 (hg19) VCF-style: chr22-17590067-A-G.
Other names: c.1856A>G, p.His619Arg (NM_001289905.2); c.1958A>G (NM_014339.5); short protein forms H619R, H653R.
Identifiers: ClinVar variation 2058245 (VCV002058245.2), dbSNP rs367985576, ClinGen allele CA10086885.

ClinVar aggregate classification (germline): Uncertain significance. Review status: criteria provided, multiple submitters, no conflicts (2 of 4 stars). 2 submissions from 2 submitters: Uncertain significance (2). Last evaluated 2023-12-22.

Conditions:
Immunodeficiency 51 (IMD51). Also called: CANDIDIASIS, FAMILIAL, 5. Identifiers: Orphanet 1334, MedGen C4310803, MONDO:0013500, OMIM 613953.

Allele frequency attached by ClinVar (database versions not stated): gnomAD 0.00011; ExAC 0.00015; ESP Exome Variant Server 0.00018; gnomAD exomes 0.00024.
gnomAD v4.1: 336 of 1,526,078 alleles (0.022%); highest among the groups gnomAD compares: Non-Finnish European, 0.029%; no homozygotes.

Submissions (2):

Ambry Genetics
Classification: Uncertain significance. Last evaluated: 2023-12-22. Review status: criteria provided, single submitter. Criteria: Ambry Variant Classification Scheme 2023. Collection method: clinical testing. Allele origin: germline.

Labcorp Genetics (formerly Invitae), Labcorp
Classification: Uncertain significance for Immunodeficiency 51. Last evaluated: 2022-10-24. Review status: criteria provided, single submitter. Criteria: Invitae Variant Classification Sherloc (09022015). Collection method: clinical testing. Allele origin: germline.
Comment: This sequence change replaces histidine, which is basic and polar, with arginine, which is basic and polar, at codon 653 of the IL17RA protein (p.His653Arg). This variant is present in population databases (rs367985576, gnomAD 0.03%). This variant has not been reported in the literature in individuals affected with IL17RA-related conditions. Advanced modeling of protein sequence and biophysical properties (such as structural, functional, and spatial information, amino acid conservation, physicochemical variation, residue mobility, and thermodynamic stability) performed at Invitae indicates that this missense variant is not expected to disrupt IL17RA protein function. In summary, the available evidence is currently insufficient to determine the role of this variant in disease. Therefore, it has been classified as a Variant of Uncertain Significance.